The following is an entry in ClinVar:

NM_001134363.3(RBM20):c.1244G>A (p.Ser415Asn)

Gene: RBM20 (RNA binding motif protein 20; plus strand). Cytogenetic location: 10q25.2.
Variant type: single nucleotide variant.
Coding change: c.1244G>A on transcript NM_001134363.3 (MANE Select); coding-DNA position 1244, G replaced by A.
Protein change: p.Ser415Asn; replaces serine 415 with asparagine.
Molecular consequence: missense variant.
Genome position (GRCh38, 1-based): chr10:110,781,853, G>A. VCF-style: chr10-110781853-G-A. GRCh37 (hg19) VCF-style: chr10-112541611-G-A.
Other names: short protein forms S415N.
Identifiers: ClinVar variation 548140 (VCV000548140.15), dbSNP rs748133931, ClinGen allele CA5688570.

ClinVar aggregate classification (germline): Conflicting classifications of pathogenicity. Review status: criteria provided, conflicting classifications (1 of 4 stars). 6 submissions from 6 submitters: Uncertain significance (4); Likely benign (2). Last evaluated 2025-11-10.

Conditions:
Cardiovascular phenotype. Identifiers: MedGen CN230736.
Dilated cardiomyopathy 1DD (CMD1DD). Identifiers: Orphanet 154, MedGen C2750995, MONDO:0013168, OMIM 613172.

Allele frequency attached by ClinVar (database versions not stated): TOPMed 0.00002; gnomAD exomes 0.00003 and 0.00004; gnomAD 0.00004; ExAC 0.00005.
gnomAD v4.1: 55 of 1,551,680 alleles (0.0035%); highest among the groups gnomAD compares: Non-Finnish European, 0.0046%; no homozygotes.

Submissions (6):

Labcorp Genetics (formerly Invitae), Labcorp
Classification: Likely benign for Dilated cardiomyopathy 1DD. Last evaluated: 2025-11-10. Review status: criteria provided, single submitter. Criteria: Invitae Variant Classification Sherloc (09022015). Collection method: clinical testing. Allele origin: germline.

Blueprint Genetics
Classification: Likely benign. Last evaluated: 2024-08-26. Review status: criteria provided, single submitter. Criteria: ACMG Guidelines, 2015. Collection method: clinical testing. Allele origin: germline.

Ambry Genetics
Classification: Uncertain significance for Cardiovascular phenotype. Last evaluated: 2023-01-12. Review status: criteria provided, single submitter. Criteria: Ambry Variant Classification Scheme 2023. Collection method: clinical testing. Allele origin: germline.
Comment: The p.S415N variant (also known as c.1244G>A), located in coding exon 2 of the RBM20 gene, results from a G to A substitution at nucleotide position 1244. The serine at codon 415 is replaced by asparagine, an amino acid with highly similar properties. This amino acid position is not well conserved in available vertebrate species. In addition, this alteration is predicted to be tolerated by in silico analysis. Since supporting evidence is limited at this time, the clinical significance of this alteration remains unclear.

Fulgent Genetics
Classification: Uncertain significance for Dilated cardiomyopathy 1DD. Last evaluated: 2021-07-27. Review status: criteria provided, single submitter. Criteria: ACMG Guidelines, 2015. Collection method: clinical testing. Allele origin: unknown.

GeneDx
Classification: Uncertain significance. Last evaluated: 2020-09-02. Review status: criteria provided, single submitter. Criteria: GeneDx Variant Classification Process June 2021. Collection method: clinical testing. Allele origin: germline. Affected: yes.
Comment: Has not been previously published as pathogenic or benign to our knowledge; Reported in ClinVar as a variant of uncertain significance (ClinVar Variant ID# 548140; Landrum et al., 2016); In silico analysis supports that this missense variant does not alter protein structure/function

Petrovsky National Research Centre of Surgery, The Federal Agency for Scientific Organizations
Classification: Uncertain significance for Dilated cardiomyopathy 1DD. Last evaluated: 2018-07-04. Review status: criteria provided, single submitter. Criteria: ACMG Guidelines, 2015. Collection method: research. Allele origin: unknown. Inheritance: Autosomal dominant inheritance. Affected: yes. Observed: 1 variant allele, 1 compound heterozygote.
Comment: The results of multiple bioinformatic predictions are controversial. However, p.S415N variant was detected in gene with pathogenic missenses common (PP2 criteria in ACMG Guidelines). It is also absent from population databases (PM2 criteria in ACMG Guidelines). In summary the p.S415N variant can be classified as variant with unknown clinical significance.